The following is an entry in ClinVar:

NM_001126108.2(SLC12A3):c.2179G>T (p.Ala727Ser)

Gene: SLC12A3 (solute carrier family 12 member 3; plus strand). Cytogenetic location: 16q13.
Variant type: single nucleotide variant.
Coding change: c.2179G>T on transcript NM_001126108.2 (MANE Select); coding-DNA position 2179, G replaced by T.
Protein change: p.Ala727Ser; replaces alanine 727 with serine.
Molecular consequence: missense variant.
Genome position (GRCh38, 1-based): chr16:56,887,925, G>T. VCF-style: chr16-56887925-G-T. GRCh37 (hg19) VCF-style: chr16-56921837-G-T.
Other names: c.2179G>T, p.Ala727Ser (NM_000339.3); c.2176G>T, p.Ala726Ser (NM_001126107.2, NM_001410896.1); short protein forms A727S, A726S.
Identifiers: ClinVar variation 4711278 (VCV004711278.1).

ClinVar aggregate classification (germline): Uncertain significance (1 of 4 stars; one submission).

gnomAD v4.1: 39 of 1,610,646 alleles (0.0024%); highest among the groups gnomAD compares: Non-Finnish European, 0.0031%; no homozygotes.

Submission:

Labcorp Genetics (formerly Invitae), Labcorp
Classification: Uncertain significance. Last evaluated: 2025-12-03. Review status: criteria provided, single submitter. Criteria: Invitae Variant Classification Sherloc (09022015). Collection method: clinical testing. Allele origin: germline.
Comment: This sequence change replaces alanine, which is neutral and non-polar, with serine, which is neutral and polar, at codon 727 of the SLC12A3 protein (p.Ala727Ser). This variant is present in population databases (rs370754985, gnomAD 0.003%). This variant has not been reported in the literature in individuals affected with SLC12A3-related conditions. An algorithm developed to predict the effect of missense changes on protein structure and function (PolyPhen-2) suggests that this variant is likely to be tolerated. In summary, the available evidence is currently insufficient to determine the role of this variant in disease. Therefore, it has been classified as a Variant of Uncertain Significance.